The following is an entry in ClinVar:

NM_003628.6(PKP4):c.1498G>T (p.Ala500Ser)

Gene: PKP4 (plakophilin 4; plus strand). Cytogenetic location: 2q24.1.
Variant type: single nucleotide variant.
Coding change: c.1498G>T on transcript NM_003628.6 (MANE Select); coding-DNA position 1498, G replaced by T.
Protein change: p.Ala500Ser; replaces alanine 500 with serine.
Molecular consequence: missense variant.
Genome position (GRCh38, 1-based): chr2:158,634,225, G>T. VCF-style: chr2-158634225-G-T. GRCh37 (hg19) VCF-style: chr2-159490737-G-T.
Other names: c.1498G>T, p.Ala500Ser (NM_001005476.4, NM_001304971.2, NM_001377218.1 and 1 more transcripts); c.1495G>T, p.Ala499Ser (NM_001304969.3, NM_001377219.1, NM_001377220.1 and 2 more transcripts); c.469G>T, p.Ala157Ser (NM_001304970.3); c.1492G>T, p.Ala498Ser (NM_001377222.1, NM_001377223.1); c.1489G>T, p.Ala497Ser (NM_001377224.1); short protein forms A498S, A499S, A500S, A157S, A497S.
Identifiers: ClinVar variation 2257007 (VCV002257007.2), dbSNP rs765212515, ClinGen allele CA1920729.
Genomic context (GRCh38, chr2:158,634,225, plus strand): 5'-GAGCCCTACAGGCCTATACAATACCGAGTGCAAGAGTGCAATTATAACAGGCTTCAGCAT[G>T]CAGTGCCGGCTGATGATGGCACCACAAGATCCCCATCAATAGACAGCATTCAGAAGGACC-3'
Protein context (NP_003619.2, residues 490-510): QECNYNRLQH[Ala500Ser]VPADDGTTRS

ClinVar aggregate classification (germline): Uncertain significance (1 of 4 stars; one submission).

Allele frequency attached by ClinVar (database versions not stated): gnomAD exomes 0.00001; ExAC 0.00003.
gnomAD v4.1: 13 of 1,614,112 alleles (0.00081%); highest among the groups gnomAD compares: South Asian, 0.014%; no homozygotes.

Submission:

Ambry Genetics
Classification: Uncertain significance. Last evaluated: 2023-04-17. Review status: criteria provided, single submitter. Criteria: Ambry Variant Classification Scheme 2023. Collection method: clinical testing. Allele origin: germline.
Comment: The p.A500S variant (also known as c.1498G>T), located in coding exon 8 of the PKP4 gene, results from a G to T substitution at nucleotide position 1498. The alanine at codon 500 is replaced by serine, an amino acid with similar properties. This amino acid position is conserved. In addition, this alteration is predicted to be tolerated by in silico analysis. Since supporting evidence is limited at this time, the clinical significance of this alteration remains unclear.